The following is an entry in ClinVar:

NM_054012.4(ASS1):c.557T>G (p.Met186Arg)

Gene: ASS1 (argininosuccinate synthase 1; plus strand). Cytogenetic location: 9q34.11.
Variant type: single nucleotide variant.
Coding change: c.557T>G on transcript NM_054012.4 (MANE Select); coding-DNA position 557, T replaced by G.
Protein change: p.Met186Arg; replaces methionine 186 with arginine.
Molecular consequence: missense variant.
Genome position (GRCh38, 1-based): chr9:130,470,895, T>G. VCF-style: chr9-130470895-T-G. GRCh37 (hg19) VCF-style: chr9-133346282-T-G.
Other names: c.557T>G, p.Met186Arg (NM_000050.4); short protein forms M186R.
Identifiers: ClinVar variation 632536 (VCV000632536.11), dbSNP rs1564151430, ClinGen allele CA375227309.

ClinVar aggregate classification (germline): Conflicting classifications of pathogenicity. Review status: criteria provided, conflicting classifications (1 of 4 stars). 2 submissions from 2 submitters: Likely pathogenic (1); Uncertain significance (1). Last evaluated 2026-02-17.

Conditions:
Citrullinemia. Identifiers: Orphanet 187, MedGen C0175683, MONDO:0015991.

Allele frequency attached by ClinVar (database versions not stated): gnomAD exomes below 0.00001.

Submissions (2):

GeneDx
Classification: Likely pathogenic. Last evaluated: 2026-02-17. Review status: criteria provided, single submitter. Criteria: GeneDx Variant Classification Process June 2021. Collection method: clinical testing. Allele origin: germline.
Comment: Not observed at significant frequency in large population cohorts (gnomAD); In silico analysis supports that this missense variant has a deleterious effect on protein structure/function; This variant is associated with the following publications: (PMID: 25433810)

Labcorp Genetics (formerly Invitae), Labcorp
Classification: Uncertain significance for Citrullinemia. Last evaluated: 2021-08-31. Review status: criteria provided, single submitter. Criteria: Invitae Variant Classification Sherloc (09022015). Collection method: clinical testing. Allele origin: germline.
Comment: This sequence change replaces methionine with arginine at codon 186 of the ASS1 protein (p.Met186Arg). The methionine residue is moderately conserved and there is a moderate physicochemical difference between methionine and arginine. This variant is not present in population databases (ExAC no frequency). This missense change has been observed in individual(s) with citrullinemia (PMID: 25433810). ClinVar contains an entry for this variant (Variation ID: 632536). Algorithms developed to predict the effect of missense changes on protein structure and function are either unavailable or do not agree on the potential impact of this missense change (SIFT: "Deleterious"; PolyPhen-2: "Probably Damaging"; Align-GVGD: "Class C0"). In summary, the available evidence is currently insufficient to determine the role of this variant in disease. Therefore, it has been classified as a Variant of Uncertain Significance.

Literature cited by the submitters: PubMed 25433810 (cited by Labcorp Genetics (formerly Invitae), Labcorp).